The following is an entry in ClinVar:

ClinVar aggregate classification (germline): Uncertain significance (1 of 4 stars; one submission).

Conditions:
Hereditary cancer-predisposing syndrome. Also called: Tumor predisposition; Hereditary Cancer Syndrome; Hereditary neoplastic syndrome; Neoplastic Syndromes, Hereditary. Identifiers: Orphanet 140162, MedGen C0027672, MeSH D009386, MONDO:0015356.

Submission:

Ambry Genetics
Classification: Uncertain significance for Hereditary cancer-predisposing syndrome. Last evaluated: 2025-09-26. Review status: criteria provided, single submitter. Criteria: Ambry Variant Classification Scheme 2023. Collection method: clinical testing. Allele origin: germline.
Comment: The p.G105E variant (also known as c.314G>A), located in coding exon 4 of the SDHA gene, results from a G to A substitution at nucleotide position 314. The glycine at codon 105 is replaced by glutamic acid, an amino acid with similar properties. This amino acid position is conserved. In addition, this alteration is predicted to be deleterious by in silico analysis. Based on the available evidence, the clinical significance of this variant remains unclear.

NM_004168.4(SDHA):c.314G>A (p.Gly105Glu)

Gene: SDHA (succinate dehydrogenase complex flavoprotein subunit A; plus strand). Cytogenetic location: 5p15.33.
Variant type: single nucleotide variant.
Coding change: c.314G>A on transcript NM_004168.4 (MANE Select); coding-DNA position 314, G replaced by A.
Protein change: p.Gly105Glu; replaces glycine 105 with glutamic acid.
Molecular consequence: missense variant. On other transcripts: intron variant (1).
Genome position (GRCh38, 1-based): chr5:225,420, G>A. VCF-style: chr5-225420-G-A. GRCh37 (hg19) VCF-style: chr5-225535-G-A.
Other names: c.314G>A, p.Gly105Glu (NM_001330758.2); c.313-463G>A (NM_001294332.2); short protein forms G105E.
Identifiers: ClinVar variation 4546717 (VCV004546717.1).